The following is an entry in ClinVar:

NM_032237.5(POMK):c.910T>C (p.Phe304Leu)

Gene: POMK (protein O-mannose kinase; plus strand). Cytogenetic location: 8p11.21.
Variant type: single nucleotide variant.
Coding change: c.910T>C on transcript NM_032237.5 (MANE Select); coding-DNA position 910, T replaced by C.
Protein change: p.Phe304Leu; replaces phenylalanine 304 with leucine.
Molecular consequence: missense variant.
Genome position (GRCh38, 1-based): chr8:43,122,734, T>C. VCF-style: chr8-43122734-T-C. GRCh37 (hg19) VCF-style: chr8-42977877-T-C.
Other names: c.910T>C (NM_032237.3); c.910T>C, p.Phe304Leu (NM_001277971.2); short protein forms F304L.
Identifiers: ClinVar variation 474199 (VCV000474199.14), dbSNP rs757744253, ClinGen allele CA4736377.
Genomic context (GRCh38, chr8:43,122,734, plus strand): 5'-AAGATCCCAGACATCTCCAGTTTCCTTCTGGGGCACATTGAAGGGAGTGATATGGTCCGA[T>C]TCCATTTGTTTGATATTCACAAAGCATGCAAGAGCCAGACTCCCTCAGAAAGACCCACTG-3'
Protein context (NP_115613.1, residues 294-314): GHIEGSDMVR[Phe304Leu]HLFDIHKACK

ClinVar aggregate classification (germline): Uncertain significance. Review status: criteria provided, multiple submitters, no conflicts (2 of 4 stars). 4 submissions from 4 submitters: Uncertain significance (4). Last evaluated 2025-02-07.

Conditions:
Inborn genetic diseases. Identifiers: MedGen C0950123, MeSH D030342.
Muscular dystrophy-dystroglycanopathy (congenital with brain and eye anomalies), type a, 12 (MDDGA12). Also called: WALKER-WARBURG SYNDROME OR MUSCLE-EYE-BRAIN DISEASE, POMK-RELATED. Identifiers: Orphanet 899, MedGen C3808964, MONDO:0014101, OMIM 615249.
Limb-girdle muscular dystrophy due to POMK deficiency. Also called: Muscular dystrophy-dystroglycanopathy (limb-girdle), type c, 12; MUSCULAR DYSTROPHY-DYSTROGLYCANOPATHY, LIMB-GIRDLE, POMK-RELATED. Identifiers: Orphanet 445110, MedGen C4015184, MONDO:0014489, OMIM 616094.

Allele frequency attached by ClinVar (database versions not stated): gnomAD exomes 0.00003 and 0.00012; ExAC 0.00006; gnomAD 0.00007 and 0.00008; TOPMed 0.00015.
gnomAD v4.1: 56 of 1,614,092 alleles (0.0035%); highest among the groups gnomAD compares: Admixed American, 0.092%; no homozygotes.

Submissions (4):

Ambry Genetics
Classification: Uncertain significance for Inborn genetic diseases. Last evaluated: 2025-02-07. Review status: criteria provided, single submitter. Criteria: Ambry Variant Classification Scheme 2023. Collection method: clinical testing. Allele origin: germline.

Labcorp Genetics (formerly Invitae), Labcorp
Classification: Uncertain significance for Muscular dystrophy-dystroglycanopathy (congenital with brain and eye anomalies), type a, 12; Limb-girdle muscular dystrophy due to POMK deficiency. Last evaluated: 2024-01-15. Review status: criteria provided, single submitter. Criteria: Invitae Variant Classification Sherloc (09022015). Collection method: clinical testing. Allele origin: germline.
Comment: This sequence change replaces phenylalanine, which is neutral and non-polar, with leucine, which is neutral and non-polar, at codon 304 of the POMK protein (p.Phe304Leu). This variant is present in population databases (rs757744253, gnomAD 0.1%). This variant has not been reported in the literature in individuals affected with POMK-related conditions. ClinVar contains an entry for this variant (Variation ID: 474199). Advanced modeling of protein sequence and biophysical properties (such as structural, functional, and spatial information, amino acid conservation, physicochemical variation, residue mobility, and thermodynamic stability) performed at Invitae indicates that this missense variant is not expected to disrupt POMK protein function with a negative predictive value of 80%. In summary, the available evidence is currently insufficient to determine the role of this variant in disease. Therefore, it has been classified as a Variant of Uncertain Significance.

Revvity Omics, Revvity
Classification: Uncertain significance. Last evaluated: 2023-11-30. Review status: criteria provided, single submitter. Criteria: ACMG Guidelines, 2015. Collection method: clinical testing. Allele origin: germline.

GeneDx
Classification: Uncertain significance. Last evaluated: 2020-12-02. Review status: criteria provided, single submitter. Criteria: GeneDx Variant Classification Process June 2021. Collection method: clinical testing. Allele origin: germline. Affected: yes.
Comment: In silico analysis supports that this missense variant does not alter protein structure/function; Has not been previously published as pathogenic or benign to our knowledge